The following is an entry in ClinVar:

ClinVar aggregate classification (germline): Uncertain significance. Review status: criteria provided, multiple submitters, no conflicts (2 of 4 stars). 3 submissions from 3 submitters: Uncertain significance (3). Last evaluated 2024-02-05.

Conditions:
Fanconi anemia (FA). Also called: Fanconi's anemia. Identifiers: Orphanet 84, MedGen C0015625, MeSH D005199, MONDO:0019391.
Inborn genetic diseases. Identifiers: MedGen C0950123, MeSH D030342.

Allele frequency attached by ClinVar (database versions not stated): gnomAD exomes below 0.00001 and 0.00001; ExAC 0.00001.

Submissions (3):

Ambry Genetics
Classification: Uncertain significance for Inborn genetic diseases. Last evaluated: 2024-02-05. Review status: criteria provided, single submitter. Criteria: Ambry Variant Classification Scheme 2023. Collection method: clinical testing. Allele origin: germline.

Labcorp Genetics (formerly Invitae), Labcorp
Classification: Uncertain significance for Fanconi anemia. Last evaluated: 2021-10-14. Review status: criteria provided, single submitter. Criteria: Invitae Variant Classification Sherloc (09022015). Collection method: clinical testing. Allele origin: germline.
Comment: This sequence change replaces alanine with valine at codon 334 of the FANCF protein (p.Ala334Val). The alanine residue is highly conserved and there is a small physicochemical difference between alanine and valine. This variant is present in population databases (rs772941983, ExAC 0.001%). This variant has not been reported in the literature in individuals affected with FANCF-related conditions. Algorithms developed to predict the effect of missense changes on protein structure and function output the following: SIFT: "Tolerated"; PolyPhen-2: "Benign"; Align-GVGD: "Class C0". The valine amino acid residue is found in multiple mammalian species, which suggests that this missense change does not adversely affect protein function. In summary, the available evidence is currently insufficient to determine the role of this variant in disease. Therefore, it has been classified as a Variant of Uncertain Significance.

Sema4
Classification: Uncertain significance for Fanconi anemia. Last evaluated: 2021-09-25. Review status: criteria provided, single submitter. Criteria: Sema4 Curation Guidelines. Collection method: curation. Allele origin: germline.
Comment: The FANCF c.1001C>T (p.A334V) variant has not been reported in the literature to our knowledge. It was observed in 1/113766 chromosomes of the Non-Finnish European subpopulation in the large and broad cohorts of the Genome Aggregation Database (PMID: 32461654). The variant has not been reported in ClinVar. In silico tools suggest the impact of the variant on protein function is benign, though these predictions have not been confirmed by functional studies. The evidence is insufficient to meet ACMG/AMP criteria for classifying the variant as benign or pathogenic. Thus, the clinical significance of this variant is currently uncertain.

NM_022725.4(FANCF):c.1001C>T (p.Ala334Val)

Genes: FANCF (FA complementation group F; minus strand), LOC130005443 (ATAC-STARR-seq lymphoblastoid active region 4533; plus strand). Cytogenetic location: 11p14.3.
Variant type: single nucleotide variant.
Coding change: c.1001C>T on transcript NM_022725.4 (MANE Select); coding-DNA position 1001, C replaced by T.
Protein change: p.Ala334Val; replaces alanine 334 with valine.
Molecular consequence: missense variant.
Genome position (GRCh38, 1-based): chr11:22,624,810, G>A on the plus strand (C>T on the coding strand, the complement: FANCF is on the minus strand). VCF-style: chr11-22624810-G-A. GRCh37 (hg19) VCF-style: chr11-22646356-G-A.
Other names: short protein forms A334V.
Identifiers: ClinVar variation 1374883 (VCV001374883.8), dbSNP rs772941983, ClinGen allele CA5924213.
Genomic context (GRCh38, chr11:22,624,810, plus strand): 5'-AGAGCTAATAAGAGGTCTGTCCAGATGCTAAGACCAGGTACTTCAAAATCTCCATCCTGC[G>A]CTTTACAGGTCTCCAGGGCAGTTAGAACTTTATCTTTCAGAGGTGGAGGGGCCTGACAGA-3'
Protein context (NP_073562.1, residues 324-344): KVLTALETCK[Ala334Val]QDGDFEVPGL